The following is an entry in ClinVar:

ClinVar aggregate classification (germline): Uncertain significance. Review status: criteria provided, multiple submitters, no conflicts (2 of 4 stars). 2 submissions from 2 submitters: Uncertain significance (2). Last evaluated 2023-09-22.

Allele frequency attached by ClinVar (database versions not stated): TOPMed below 0.00001; gnomAD 0.00001; gnomAD exomes 0.00002 and 0.00004; ExAC 0.00003.
gnomAD v4.1: 37 of 1,613,562 alleles (0.0023%); highest among the groups gnomAD compares: South Asian, 0.015%; no homozygotes.

Submissions (2):

GeneDx
Classification: Uncertain significance. Last evaluated: 2023-09-22. Review status: criteria provided, single submitter. Criteria: GeneDx Variant Classification Process June 2021. Collection method: clinical testing. Allele origin: germline. Affected: yes.
Comment: Has not been previously published as pathogenic or benign to our knowledge; In silico analysis supports that this missense variant does not alter protein structure/function

Labcorp Genetics (formerly Invitae), Labcorp
Classification: Uncertain significance. Last evaluated: 2023-02-22. Review status: criteria provided, single submitter. Criteria: Invitae Variant Classification Sherloc (09022015). Collection method: clinical testing. Allele origin: germline.
Comment: This sequence change replaces glutamic acid, which is acidic and polar, with lysine, which is basic and polar, at codon 282 of the COL9A2 protein (p.Glu282Lys). In summary, the available evidence is currently insufficient to determine the role of this variant in disease. Therefore, it has been classified as a Variant of Uncertain Significance. An algorithm developed to predict the effect of missense changes on protein structure and function (PolyPhen-2) suggests that this variant is likely to be tolerated. ClinVar contains an entry for this variant (Variation ID: 432421). This variant has not been reported in the literature in individuals affected with COL9A2-related conditions. This variant is present in population databases (rs767307495, gnomAD 0.03%).

NM_001852.4(COL9A2):c.844G>A (p.Glu282Lys)

Gene: COL9A2 (collagen type IX alpha 2 chain; minus strand). Cytogenetic location: 1p34.2.
Variant type: single nucleotide variant.
Coding change: c.844G>A on transcript NM_001852.4 (MANE Select); coding-DNA position 844, G replaced by A.
Protein change: p.Glu282Lys; replaces glutamic acid 282 with lysine.
Molecular consequence: missense variant.
Genome position (GRCh38, 1-based): chr1:40,309,940, C>T on the plus strand (G>A on the coding strand, the complement: COL9A2 is on the minus strand). VCF-style: chr1-40309940-C-T. GRCh37 (hg19) VCF-style: chr1-40775612-C-T.
Other names: short protein forms E282K.
Identifiers: ClinVar variation 432421 (VCV000432421.10), dbSNP rs767307495, ClinGen allele CA791724.